The following is an entry in ClinVar:

ClinVar aggregate classification (germline): Likely benign (1 of 4 stars; one submission).

Allele frequency attached by ClinVar (database versions not stated): ExAC 0.00113; gnomAD 0.00290; ESP Exome Variant Server 0.00308; 1000 Genomes Project 30x 0.00328; TOPMed 0.00330; 1000 Genomes Project 0.00359.

Submission:

CeGaT Center for Human Genetics Tuebingen
Classification: Likely benign. Last evaluated: 2024-04-01. Review status: criteria provided, single submitter. Criteria: CeGaT Center For Human Genetics Tuebingen Variant Classification Criteria Version 2. Collection method: clinical testing. Allele origin: germline. Affected: yes. Observed: 1 variant allele.
Comment: TCHHL1: BP4, BP7

NM_001008536.2(TCHHL1):c.606T>C (p.Asn202=)

Gene: TCHHL1 (trichohyalin like 1; minus strand). Cytogenetic location: 1q21.3.
Variant type: single nucleotide variant.
Coding change: c.606T>C on transcript NM_001008536.2 (MANE Select); coding-DNA position 606, T replaced by C.
Protein change: p.Asn202=; no amino-acid change (asparagine 202 retained).
Molecular consequence: synonymous variant.
Genome position (GRCh38, 1-based): chr1:152,087,076, A>G on the plus strand (T>C on the coding strand, the complement: TCHHL1 is on the minus strand). VCF-style: chr1-152087076-A-G. GRCh37 (hg19) VCF-style: chr1-152059552-A-G.
Identifiers: ClinVar variation 3234166 (VCV003234166.20), dbSNP rs115754547, ClinGen allele CA1097286.